The following is an entry in ClinVar:

ClinVar aggregate classification (germline): Uncertain significance (1 of 4 stars; one submission).

gnomAD v4.1: 6 of 1,612,576 alleles (0.00037%); highest among the groups gnomAD compares: Non-Finnish European, 0.00051%; no homozygotes.

Submission:

Labcorp Genetics (formerly Invitae), Labcorp
Classification: Uncertain significance. Last evaluated: 2023-11-24. Review status: criteria provided, single submitter. Criteria: Invitae Variant Classification Sherloc (09022015). Collection method: clinical testing. Allele origin: germline.
Comment: This sequence change replaces serine, which is neutral and polar, with phenylalanine, which is neutral and non-polar, at codon 353 of the POLG2 protein (p.Ser353Phe). This variant is present in population databases (no rsID available, gnomAD 0.0009%). This missense change has been observed in individual(s) with POLG2-related conditions (PMID: 35641312). An algorithm developed to predict the effect of missense changes on protein structure and function (PolyPhen-2) suggests that this variant is likely to be disruptive. In summary, the available evidence is currently insufficient to determine the role of this variant in disease. Therefore, it has been classified as a Variant of Uncertain Significance.

Literature cited by the submitters: PubMed 35641312.

NM_007215.4(POLG2):c.1058C>T (p.Ser353Phe)

Genes: MILR1 (mast cell immunoglobulin like receptor 1; plus strand), POLG2 (DNA polymerase gamma 2, accessory subunit; minus strand). Cytogenetic location: 17q23.3.
Variant type: single nucleotide variant.
Coding change: c.1058C>T on transcript NM_007215.4 (MANE Select); coding-DNA position 1058, C replaced by T.
Protein change: p.Ser353Phe; replaces serine 353 with phenylalanine.
Molecular consequence: missense variant.
Genome position (GRCh38, 1-based): chr17:64,485,780, G>A on the plus strand (C>T on the coding strand, the complement: POLG2 is on the minus strand). VCF-style: chr17-64485780-G-A. GRCh37 (hg19) VCF-style: chr17-62481897-G-A.
Other names: short protein forms S353F.
Identifiers: ClinVar variation 3001057 (VCV003001057.3), dbSNP rs1555667350, ClinGen allele CA400638000.